The following is an entry in ClinVar:

ClinVar aggregate classification (germline): Benign. Review status: criteria provided, multiple submitters, no conflicts (2 of 4 stars). 5 submissions from 5 submitters: Benign (5). Last evaluated 2023-03-24.

Conditions:
Glycogen storage disease type III (GSD3). Also called: FORBES DISEASE; Cori disease. Identifiers: Orphanet 366, MedGen C0017922, MONDO:0009291, OMIM 232400.

Allele frequency attached by ClinVar (database versions not stated): gnomAD exomes 0.17389 and 0.18407; ExAC 0.19623; 1000 Genomes Project 0.22724; 1000 Genomes Project 30x 0.22829; gnomAD 0.23549 and 0.24077; TOPMed 0.23803; ESP Exome Variant Server 0.24181.
gnomAD v4.1: 290,583 of 1,611,300 alleles (18%); highest among the groups gnomAD compares: African/African-American, 39%; 28,789 homozygotes.

Submissions (5):

Blueprint Genetics
Classification: Benign. Last evaluated: 2023-03-24. Review status: criteria provided, single submitter. Criteria: ACMG Guidelines, 2015. Collection method: clinical testing. Allele origin: germline.

Genome-Nilou Lab
Classification: Benign for Glycogen storage disease type III. Last evaluated: 2021-07-15. Review status: criteria provided, single submitter. Criteria: ACMG Guidelines, 2015. Collection method: clinical testing. Allele origin: germline. Affected: no.

GeneDx
Classification: Benign. Last evaluated: 2015-12-02. Review status: criteria provided, single submitter. Criteria: GeneDx Variant Classification (06012015). Collection method: clinical testing. Allele origin: germline. Affected: yes.
Comment: This variant is considered likely benign or benign based on one or more of the following criteria: it is a conservative change, it occurs at a poorly conserved position in the protein, it is predicted to be benign by multiple in silico algorithms, and/or has population frequency not consistent with disease.

Breakthrough Genomics
Classification: Benign. Review status: criteria provided, single submitter. Criteria: ACMG Guidelines, 2015. Collection method: not provided. Allele origin: germline. Inheritance: Autosomal recessive inheritance. Affected: yes.

PreventionGenetics, part of Exact Sciences
Classification: Benign. Review status: criteria provided, single submitter. Criteria: ACMG Guidelines, 2015. Collection method: clinical testing. Allele origin: germline.

NM_000642.3(AGL):c.83-33C>T

Gene: AGL (amylo-alpha-1,6-glucosidase and 4-alpha-glucanotransferase; plus strand). Cytogenetic location: 1p21.2.
Variant type: single nucleotide variant.
Coding change: c.83-33C>T on transcript NM_000642.3 (MANE Select); 33 bases into the intron before coding-DNA position 83, C replaced by T.
Molecular consequence: intron variant.
Genome position (GRCh38, 1-based): chr1:99,861,470, C>T. VCF-style: chr1-99861470-C-T. GRCh37 (hg19) VCF-style: chr1-100327026-C-T.
Other names: c.83-33C>T (NM_000643.3, NM_000644.3, NM_001425326.1 and 5 more transcripts); c.35-33C>T (NM_000646.3); c.83-2916C>T (NM_001425332.1).
Identifiers: ClinVar variation 256750 (VCV000256750.6), dbSNP rs2307129, ClinGen allele CA966048.